The following is an entry in ClinVar:

ClinVar aggregate classification (germline): Uncertain significance. Review status: criteria provided, single submitter (1 of 4 stars). 2 submissions from 2 submitters: Uncertain significance (1). 1 of the submissions does not count toward it. Last evaluated 2022-02-24.

Conditions:
Retinal dystrophy. Also called: Inherited retinal dystrophy. Identifiers: Orphanet 71862, MedGen C0854723, MeSH D058499, MONDO:0019118, HP:0000556.

Submissions (2):

Labcorp Genetics (formerly Invitae), Labcorp
Classification: Uncertain significance. Last evaluated: 2022-02-24. Review status: criteria provided, single submitter. Criteria: Invitae Variant Classification Sherloc (09022015). Collection method: clinical testing. Allele origin: germline.
Comment: This variant is not present in population databases (gnomAD no frequency). This sequence change replaces arginine, which is basic and polar, with cysteine, which is neutral and slightly polar, at codon 132 of the TIMP3 protein (p.Arg132Cys). In summary, the available evidence is currently insufficient to determine the role of this variant in disease. Therefore, it has been classified as a Variant of Uncertain Significance. Algorithms developed to predict the effect of missense changes on protein structure and function are either unavailable or do not agree on the potential impact of this missense change (SIFT: "Deleterious"; PolyPhen-2: "Probably Damaging"; Align-GVGD: "Class C0"). ClinVar contains an entry for this variant (Variation ID: 970229). This variant has not been reported in the literature in individuals affected with TIMP3-related conditions.

Institute of Human Genetics, Univ. Regensburg, Univ. Regensburg
Classification: Uncertain significance for Retinal dystrophy. Last evaluated: 2022-01-01. Review status: no assertion criteria provided. Criteria: ACMG Guidelines, 2015. Collection method: clinical testing. Allele origin: germline. Affected: yes. Not counted in ClinVar's aggregate classification.

NM_000362.5(TIMP3):c.394C>T (p.Arg132Cys)

Genes: SYN3 (synapsin III; minus strand), TIMP3 (TIMP metallopeptidase inhibitor 3; plus strand). Cytogenetic location: 22q12.3.
Variant type: single nucleotide variant.
Coding change: c.394C>T on transcript NM_000362.5 (MANE Select); coding-DNA position 394, C replaced by T.
Protein change: p.Arg132Cys; replaces arginine 132 with cysteine.
Molecular consequence: missense variant. On other transcripts: intron variant (7).
Genome position (GRCh38, 1-based): chr22:32,858,094, C>T. VCF-style: chr22-32858094-C-T. GRCh37 (hg19) VCF-style: chr22-33254081-C-T.
Other names: c.708+6821G>A (NM_001369909.1, NM_001135774.2, NM_001369910.1); c.711+6821G>A (NM_001369907.1, NM_003490.4, NM_001369908.1 and 1 more transcripts); short protein forms R132C.
Identifiers: ClinVar variation 970229 (VCV000970229.11), dbSNP rs2048424262, ClinGen allele CA411539792.
Genomic context (GRCh38, chr22:32,858,094, plus strand): 5'-AAGATGTACACGGGGCTGTGCAACTTCGTGGAGAGGTGGGACCAGCTCACCCTCTCCCAG[C>T]GCAAGGGGCTGAACTATCGGTATCACCTGGGTTGTAACTGCAAGGTAAGCTCTGGGGTCA-3'
Protein context (NP_000353.1, residues 122-142): ERWDQLTLSQ[Arg132Cys]KGLNYRYHLG